The following is an entry in ClinVar:

ClinVar aggregate classification (germline): Benign. Review status: criteria provided, multiple submitters, no conflicts (2 of 4 stars). 2 submissions from 2 submitters: Benign (2). Last evaluated 2026-08-01.

Allele frequency attached by ClinVar (database versions not stated): 1000 Genomes Project 0.00799; 1000 Genomes Project 30x 0.00843; ESP Exome Variant Server 0.01461; TOPMed 0.01465; gnomAD 0.01550; ExAC 0.01598; gnomAD exomes 0.01926.
gnomAD v4.1: 30,499 of 1,614,178 alleles (1.9%); highest among the groups gnomAD compares: Middle Eastern, 3%; 357 homozygotes.

Submissions (2):

CeGaT Center for Human Genetics Tuebingen
Classification: Benign. Last evaluated: 2026-08-01. Review status: criteria provided, single submitter. Criteria: CeGaT Center For Human Genetics Tuebingen Variant Classification Criteria Version 2. Collection method: clinical testing. Allele origin: germline. Affected: yes. Observed: 104 variant alleles.
Comment: DLST: BS1, BS2

Labcorp Genetics (formerly Invitae), Labcorp
Classification: Benign. Last evaluated: 2026-02-03. Review status: criteria provided, single submitter. Criteria: Invitae Variant Classification Sherloc (09022015). Collection method: clinical testing. Allele origin: germline.

NM_001933.5(DLST):c.611C>T (p.Pro204Leu)

Gene: DLST (dihydrolipoamide S-succinyltransferase; plus strand). Cytogenetic location: 14q24.3.
Variant type: single nucleotide variant.
Coding change: c.611C>T on transcript NM_001933.5 (MANE Select); coding-DNA position 611, C replaced by T.
Protein change: p.Pro204Leu; replaces proline 204 with leucine.
Molecular consequence: missense variant. On other transcripts: non-coding transcript variant (2).
Genome position (GRCh38, 1-based): chr14:74,893,363, C>T. VCF-style: chr14-74893363-C-T. GRCh37 (hg19) VCF-style: chr14-75360066-C-T.
Other names: short protein forms P204L.
Identifiers: ClinVar variation 2843141 (VCV002843141.20), dbSNP rs142872233, ClinGen allele CA7273568.